The following is an entry in ClinVar:

NM_020207.7(ERCC6L2):c.49A>G (p.Ile17Val)

Gene: ERCC6L2 (ERCC excision repair 6 like 2; plus strand). Cytogenetic location: 9q22.32.
Variant type: single nucleotide variant.
Coding change: c.49A>G on transcript NM_020207.7 (MANE Select); coding-DNA position 49, A replaced by G.
Protein change: p.Ile17Val; replaces isoleucine 17 with valine.
Molecular consequence: missense variant. On other transcripts: non-coding transcript variant (1).
Genome position (GRCh38, 1-based): chr9:95,880,871, A>G. VCF-style: chr9-95880871-A-G. GRCh37 (hg19) VCF-style: chr9-98643153-A-G.
Other names: c.49A>G, p.Ile17Val (NM_001010895.4, NM_001375291.1, NM_001375292.1 and 2 more transcripts); short protein forms I17V.
Identifiers: ClinVar variation 4019268 (VCV004019268.1).
Genomic context (GRCh38, chr9:95,880,871, plus strand): 5'-AAATGAGGTGTTACTTTATAAGCTAGCTTTGGAAACTTTATTTTCTTTATTCTTGCAGAC[A>G]TATGGCATCCAGGAGAAAGATGTCTTGCCCCTTCTCCAGATAATGGAAAACTTTGTGAAG-3'
Protein context (NP_064592.3, residues 7-27): QPRAETSGKD[Ile17Val]WHPGERCLAP

ClinVar aggregate classification (germline): Uncertain significance (1 of 4 stars; one submission).

Conditions:
Inborn genetic diseases. Identifiers: MedGen C0950123, MeSH D030342.

gnomAD v4.1: 6 of 1,604,002 alleles (0.00037%); highest among the groups gnomAD compares: African/African-American, 0.0013%; no homozygotes.

Submission:

Ambry Genetics
Classification: Uncertain significance for Inborn genetic diseases. Last evaluated: 2025-03-26. Review status: criteria provided, single submitter. Criteria: Ambry Variant Classification Scheme 2023. Collection method: clinical testing. Allele origin: germline.
Comment: The p.I17V variant (also known as c.49A>G), located in coding exon 2 of the ERCC6L2 gene, results from an A to G substitution at nucleotide position 49. The isoleucine at codon 17 is replaced by valine, an amino acid with highly similar properties. This amino acid position is conserved. In addition, this alteration is predicted to be tolerated by in silico analysis. Based on the available evidence, the clinical significance of this variant remains unclear.